The following is an entry in ClinVar:

ClinVar aggregate classification (germline): Uncertain significance (1 of 4 stars; one submission).

Conditions:
POLD1-related polyposis and colorectal cancer syndrome (CRCS10). Also called: Colorectal cancer 10; COLORECTAL CANCER, SUSCEPTIBILITY TO, ON CHROMOSOME 19q; Colorectal cancer, susceptibility to, 10. Identifiers: Orphanet 220460, MedGen C2675481, MONDO:0012953, OMIM 612591.

Submission:

Labcorp Genetics (formerly Invitae), Labcorp
Classification: Uncertain significance for POLD1-related polyposis and colorectal cancer syndrome. Last evaluated: 2024-05-13. Review status: criteria provided, single submitter. Criteria: Invitae Variant Classification Sherloc (09022015). Collection method: clinical testing. Allele origin: germline.
Comment: This sequence change replaces proline, which is neutral and non-polar, with threonine, which is neutral and polar, at codon 404 of the POLD1 protein (p.Pro404Thr). This variant is not present in population databases (gnomAD no frequency). This variant has not been reported in the literature in individuals affected with POLD1-related conditions. Advanced modeling of protein sequence and biophysical properties (such as structural, functional, and spatial information, amino acid conservation, physicochemical variation, residue mobility, and thermodynamic stability) performed at Invitae indicates that this missense variant is not expected to disrupt POLD1 protein function with a negative predictive value of 80%. In summary, the available evidence is currently insufficient to determine the role of this variant in disease. Therefore, it has been classified as a Variant of Uncertain Significance.

NM_002691.4(POLD1):c.1210C>A (p.Pro404Thr)

Gene: POLD1 (DNA polymerase delta 1, catalytic subunit; plus strand). Cytogenetic location: 19q13.33.
Variant type: single nucleotide variant.
Coding change: c.1210C>A on transcript NM_002691.4 (MANE Select); coding-DNA position 1210, C replaced by A.
Protein change: p.Pro404Thr; replaces proline 404 with threonine.
Molecular consequence: missense variant. On other transcripts: non-coding transcript variant (1).
Genome position (GRCh38, 1-based): chr19:50,403,565, C>A. VCF-style: chr19-50403565-C-A. GRCh37 (hg19) VCF-style: chr19-50906822-C-A.
Other names: c.1210C>A, p.Pro404Thr (NM_001256849.1, NM_001308632.1); short protein forms P404T.
Identifiers: ClinVar variation 3653031 (VCV003653031.2).